The following is an entry in ClinVar:

ClinVar aggregate classification (germline): Uncertain significance. Review status: criteria provided, multiple submitters, no conflicts (2 of 4 stars). 2 submissions from 2 submitters: Uncertain significance (2). Last evaluated 2024-07-01.

Conditions:
Inborn genetic diseases. Identifiers: MedGen C0950123, MeSH D030342.

Allele frequency attached by ClinVar (database versions not stated): gnomAD exomes 0.00001; ExAC 0.00002; gnomAD 0.00002.
gnomAD v4.1: 24 of 1,603,224 alleles (0.0015%); highest among the groups gnomAD compares: African/African-American, 0.012%; no homozygotes.

Submissions (2):

Labcorp Genetics (formerly Invitae), Labcorp
Classification: Uncertain significance. Last evaluated: 2024-07-01. Review status: criteria provided, single submitter. Criteria: Invitae Variant Classification Sherloc (09022015). Collection method: clinical testing. Allele origin: germline.
Comment: This sequence change replaces glycine, which is neutral and non-polar, with arginine, which is basic and polar, at codon 108 of the KRT10 protein (p.Gly108Arg). This variant is present in population databases (rs774951544, gnomAD 0.007%). This variant has not been reported in the literature in individuals affected with KRT10-related conditions. ClinVar contains an entry for this variant (Variation ID: 2270826). Advanced modeling of protein sequence and biophysical properties (such as structural, functional, and spatial information, amino acid conservation, physicochemical variation, residue mobility, and thermodynamic stability) performed at Invitae indicates that this missense variant is not expected to disrupt KRT10 protein function with a negative predictive value of 80%. In summary, the available evidence is currently insufficient to determine the role of this variant in disease. Therefore, it has been classified as a Variant of Uncertain Significance.

Ambry Genetics
Classification: Uncertain significance for Inborn genetic diseases. Last evaluated: 2022-01-07. Review status: criteria provided, single submitter. Criteria: Ambry Variant Classification Scheme 2023. Collection method: clinical testing. Allele origin: germline.

NM_000421.5(KRT10):c.322G>A (p.Gly108Arg)

Genes: KRT10 (keratin 10; minus strand), KRT10-AS1 (KRT10 antisense RNA 1; plus strand). Cytogenetic location: 17q21.2.
Variant type: single nucleotide variant.
Coding change: c.322G>A on transcript NM_000421.5 (MANE Select); coding-DNA position 322, G replaced by A.
Protein change: p.Gly108Arg; replaces glycine 108 with arginine.
Molecular consequence: missense variant.
Genome position (GRCh38, 1-based): chr17:40,822,264, C>T on the plus strand (G>A on the coding strand, the complement: KRT10 is on the minus strand). VCF-style: chr17-40822264-C-T. GRCh37 (hg19) VCF-style: chr17-38978516-C-T.
Other names: c.322G>A, p.Gly108Arg (NM_001379366.1); short protein forms G108R.
Identifiers: ClinVar variation 2270826 (VCV002270826.4), dbSNP rs774951544, ClinGen allele CA8548318.